The following is an entry in ClinVar:

ClinVar aggregate classification (germline): Uncertain significance (1 of 4 stars; one submission).

gnomAD v4.1: 2 of 1,555,992 alleles (0.00013%); highest among the groups gnomAD compares: East Asian, 0.0025%; no homozygotes.

Submission:

GeneDx
Classification: Uncertain significance. Last evaluated: 2023-06-20. Review status: criteria provided, single submitter. Criteria: GeneDx Variant Classification Process June 2021. Collection method: clinical testing. Allele origin: germline. Affected: yes.
Comment: Not observed at significant frequency in large population cohorts (gnomAD); Nucleotide substitution has no predicted effect on splicing and is not conserved across species; Has not been previously published as pathogenic or benign to our knowledge

NM_006947.4(SRP72):c.-5C>A

Genes: SRP72 (signal recognition particle 72; plus strand), LOC129992625 (ATAC-STARR-seq lymphoblastoid active region 21580; plus strand). Cytogenetic location: 4q12.
Variant type: single nucleotide variant.
Coding change: c.-5C>A on transcript NM_006947.4 (MANE Select); 5 bases upstream of the start codon, C replaced by A.
Molecular consequence: 5 prime UTR variant. On other transcripts: non-coding transcript variant (1).
Genome position (GRCh38, 1-based): chr4:56,467,631, C>A. VCF-style: chr4-56467631-C-A. GRCh37 (hg19) VCF-style: chr4-57333797-C-A.
Other names: c.-5C>A (NM_001267722.2).
Identifiers: ClinVar variation 3360190 (VCV003360190.1).